The following is an entry in ClinVar:

NM_014727.3(KMT2B):c.4489C>T (p.Leu1497=)

Gene: KMT2B (lysine methyltransferase 2B; plus strand). Cytogenetic location: 19q13.12.
Variant type: single nucleotide variant.
Coding change: c.4489C>T on transcript NM_014727.3 (MANE Select); coding-DNA position 4489, C replaced by T.
Protein change: p.Leu1497=; no amino-acid change (leucine 1497 retained).
Molecular consequence: synonymous variant.
Genome position (GRCh38, 1-based): chr19:35,727,977, C>T. VCF-style: chr19-35727977-C-T. GRCh37 (hg19) VCF-style: chr19-36218878-C-T.
Identifiers: ClinVar variation 781481 (VCV000781481.37), dbSNP rs114437766, ClinGen allele CA9385105.

ClinVar aggregate classification (germline): Benign. Review status: criteria provided, multiple submitters, no conflicts (2 of 4 stars). 2 submissions from 2 submitters: Benign (2). Last evaluated 2026-01-28.

Allele frequency attached by ClinVar (database versions not stated): gnomAD exomes 0.00081; ExAC 0.00164; ESP Exome Variant Server 0.00340; gnomAD 0.00369 and 0.00388; TOPMed 0.00410; 1000 Genomes Project 0.00439; 1000 Genomes Project 30x 0.00593.
gnomAD v4.1: 1,090 of 1,566,570 alleles (0.07%); highest among the groups gnomAD compares: African/African-American, 1.4%; 15 homozygotes.

Submissions (2):

Labcorp Genetics (formerly Invitae), Labcorp
Classification: Benign. Last evaluated: 2026-01-28. Review status: criteria provided, single submitter. Criteria: Invitae Variant Classification Sherloc (09022015). Collection method: clinical testing. Allele origin: germline.

CeGaT Center for Human Genetics Tuebingen
Classification: Benign. Last evaluated: 2025-11-01. Review status: criteria provided, single submitter. Criteria: CeGaT Center For Human Genetics Tuebingen Variant Classification Criteria Version 2. Collection method: clinical testing. Allele origin: germline. Affected: yes. Observed: 3 variant alleles.
Comment: KMT2B: BP4, BS1, BS2